The following is an entry in ClinVar:

NM_173728.4(ARHGEF15):c.1412T>C (p.Val471Ala)

Gene: ARHGEF15 (Rho guanine nucleotide exchange factor 15; plus strand). Cytogenetic location: 17p13.1.
Variant type: single nucleotide variant.
Coding change: c.1412T>C on transcript NM_173728.4 (MANE Select); coding-DNA position 1412, T replaced by C.
Protein change: p.Val471Ala; replaces valine 471 with alanine.
Molecular consequence: missense variant.
Genome position (GRCh38, 1-based): chr17:8,315,565, T>C. VCF-style: chr17-8315565-T-C. GRCh37 (hg19) VCF-style: chr17-8218883-T-C.
Other names: c.1412T>C, p.Val471Ala (NM_025014.2); c.1412T>C (NM_173728.3); short protein forms V471A.
Identifiers: ClinVar variation 2165792 (VCV002165792.5), dbSNP rs2543938606, ClinGen allele CA398020403.
Genomic context (GRCh38, chr17:8,315,565, plus strand): 5'-ACACGCTCACCCCCCGTGATCACCACACACTCTTCTCCAATGTGCAGCGAGTCCAGGGAG[T>C]CAGCGAGCGGTCAGTGGCTTTCCGTCCTTCCAGGGAACCTGCCCTTAGGCTGCTGGGCAC-3'
Protein context (NP_776089.2, residues 461-481): LFSNVQRVQG[Val471Ala]SERFLATLLS

ClinVar aggregate classification (germline): Uncertain significance. Review status: criteria provided, multiple submitters, no conflicts (2 of 4 stars). 2 submissions from 2 submitters: Uncertain significance (2). Last evaluated 2025-03-22.

Conditions:
Early-infantile DEE. Also called: Ohtahara syndrome; Early infantile epileptic encephalopathy with suppression bursts; Early infantile epileptic encephalopathy. Identifiers: Orphanet 1934, MedGen C0393706, MONDO:0800491.

Allele frequency attached by ClinVar (database versions not stated): gnomAD exomes below 0.00001.
gnomAD v4.1: 1 of 1,608,094 alleles (0.000062%); highest among the groups gnomAD compares: Non-Finnish European, 0.000085%; no homozygotes.

Submissions (2):

Ambry Genetics
Classification: Uncertain significance. Last evaluated: 2025-03-22. Review status: criteria provided, single submitter. Criteria: Ambry Variant Classification Scheme 2023. Collection method: clinical testing. Allele origin: germline.

Labcorp Genetics (formerly Invitae), Labcorp
Classification: Uncertain significance for Early-infantile DEE. Last evaluated: 2022-09-02. Review status: criteria provided, single submitter. Criteria: Invitae Variant Classification Sherloc (09022015). Collection method: clinical testing. Allele origin: germline.
Comment: This variant is not present in population databases (gnomAD no frequency). In summary, the available evidence is currently insufficient to determine the role of this variant in disease. Therefore, it has been classified as a Variant of Uncertain Significance. Algorithms developed to predict the effect of missense changes on protein structure and function (SIFT, PolyPhen-2, Align-GVGD) all suggest that this variant is likely to be disruptive. This variant has not been reported in the literature in individuals affected with ARHGEF15-related conditions. This sequence change replaces valine, which is neutral and non-polar, with alanine, which is neutral and non-polar, at codon 471 of the ARHGEF15 protein (p.Val471Ala).